The following is an entry in ClinVar:

ClinVar aggregate classification (germline): Pathogenic (1 of 4 stars; one submission).

Conditions:
15q11.2 BP1-BP2 recurrent deletion.

Submission:

New York Genome Center
Classification: Pathogenic for 15q11.2 BP1-BP2 recurrent deletion. Last evaluated: 2024-05-28. Review status: criteria provided, single submitter. Criteria: NYGC Assertion Criteria 2020. Collection method: clinical testing. Allele origin: inherited, de novo. Observed: 4 variant alleles. Clinical features observed: Cystic hygroma (HP:0000476), Fetal cystic hygroma (HP:0010878).
Comment: The inherited 15q11.2 BP1-BP2 deletion is an interstitial deletion on the long arm of chromosome 15. The 15q proximal region contains a cluster of low copy repeats that lead to recurrent copy number changes in this region. The presence of these repeats make mapping the exact breakpoints with whole genome sequencing difficult, however microarray analysis shows that this region contains 4 OMIM associated genes (NIPA1, NIPA2, CYFIP1, and TUBGCP5). Deletions in this region are associated with 15q11.2 BP1-BP2 recurrent deletion syndrome.

Literature cited by the submitters: PubMed 25689425; PubMed 28387067.

GRCh38/hg38 15q11.2(chr15:20586991-23100804)x1

Genes: CYFIP1 (cytoplasmic FMR1 interacting protein 1; minus strand), FAM30C (family with sequence similarity 30 member C), GOLGA6L1 (golgin A6 family like 1; minus strand), GOLGA6L22 (golgin A6 family like 22; plus strand), LINC01193 (long independently transcribed non-coding RNA 1193; plus strand) and 41 more. Cytogenetic location: 15q11.2.
Variant type: copy number loss.
Change: copy number 1 (one copy instead of two) of chr15:20,586,991-23,100,804 (2.51 Mb, GRCh38 coordinates, 1-based), cytogenetic band 15q11.2.
Identifiers: ClinVar variation 4888416 (VCV004888416.1).